The following is an entry in ClinVar:

ClinVar aggregate classification (germline): Pathogenic (1 of 4 stars; one submission).

Conditions:
Hereditary cancer-predisposing syndrome. Also called: Neoplastic Syndromes, Hereditary; Tumor predisposition; Hereditary Cancer Syndrome; Hereditary neoplastic syndrome. Identifiers: Orphanet 140162, MedGen C0027672, MeSH D009386, MONDO:0015356.

Submission:

Ambry Genetics
Classification: Pathogenic for Hereditary cancer-predisposing syndrome. Last evaluated: 2025-07-14. Review status: criteria provided, single submitter. Criteria: Ambry Variant Classification Scheme 2023. Collection method: clinical testing. Allele origin: germline.
Comment: The c.2972delA pathogenic mutation, located in coding exon 19 of the SMARCA4 gene, results from a deletion of one nucleotide at nucleotide position 2972, causing a translational frameshift with a predicted alternate stop codon (p.K991Rfs*28). This variant is considered to be rare based on population cohorts in the Genome Aggregation Database (gnomAD). This alteration is expected to result in loss of function by premature protein truncation or nonsense-mediated mRNA decay. Loss-of-function variants in SMARCA4 are known to cause rhabdoid tumor predisposition syndrome including small cell carcinoma of the ovary-hypercalcemic type (SCCOHT); however, such associations with neurodevelopmental disorders are exceedingly rare (Kosho T et al. Am J Med Genet C Semin Med Genet. 2014 Sep;166C(3):262-75; Jelinic P et al. Nat Genet. 2014 May;46(5):424-6). Based on the supporting evidence, this alteration is pathogenic for rhabdoid tumor predisposition syndrome; however, the association of this alteration with Coffin-Siris syndrome is unlikely.

NM_003072.5(SMARCA4):c.2972del (p.Lys991fs)

Gene: SMARCA4 (SWI/SNF related BAF chromatin remodeling complex subunit ATPase 4; plus strand). Cytogenetic location: 19p13.2.
Variant type: Deletion.
Coding change: c.2972del on transcript NM_003072.5 (MANE Select); coding-DNA position 2972, one base deleted (A; older notation c.2972delA).
Protein change: p.Lys991fs; shifts the reading frame from lysine 991.
Molecular consequence: frameshift variant. On other transcripts: non-coding transcript variant (1).
Genome position (GRCh38, 1-based): chr19:11,023,630, A deleted; the last of 4 consecutive A bases (chr19:11,023,627-11,023,630); deleting any one gives the same sequence. VCF-style (leftmost placement, unchanged base first): chr19-11023626-GA-G. GRCh37 (hg19) VCF-style: chr19-11134302-GA-G.
Other names: c.2972del, p.Lys991fs (NM_001374457.1, NM_001387283.1, NM_001411150.1 and 6 more transcripts); short protein forms K991fs.
Identifiers: ClinVar variation 4170135 (VCV004170135.1).